The following is an entry in ClinVar:

ClinVar aggregate classification (germline): Likely benign (1 of 4 stars; one submission).

gnomAD v4.1: 4 of 1,614,116 alleles (0.00025%); highest among the groups gnomAD compares: Non-Finnish European, 0.00034%; no homozygotes.

Submission:

CeGaT Center for Human Genetics Tuebingen
Classification: Likely benign. Last evaluated: 2026-01-01. Review status: criteria provided, single submitter. Criteria: CeGaT Center For Human Genetics Tuebingen Variant Classification Criteria Version 2. Collection method: clinical testing. Allele origin: germline. Affected: yes. Observed: 1 variant allele.
Comment: B4GALNT1: BP4, BP7

NM_001478.5(B4GALNT1):c.558C>A (p.Thr186=)

Gene: B4GALNT1 (beta-1,4-N-acetyl-galactosaminyltransferase 1; minus strand). Cytogenetic location: 12q13.3.
Variant type: single nucleotide variant.
Coding change: c.558C>A on transcript NM_001478.5 (MANE Select); coding-DNA position 558, C replaced by A.
Protein change: p.Thr186=; no amino-acid change (threonine 186 retained).
Molecular consequence: synonymous variant. On other transcripts: 5 prime UTR variant (4).
Genome position (GRCh38, 1-based): chr12:57,630,306, G>T on the plus strand (C>A on the coding strand, the complement: B4GALNT1 is on the minus strand). VCF-style: chr12-57630306-G-T. GRCh37 (hg19) VCF-style: chr12-58024089-G-T.
Other names: c.393C>A, p.Thr131= (NM_001276468.2, NM_001413978.1); c.558C>A, p.Thr186= (NM_001276469.2, NM_001413967.1, NM_001413968.1 and 9 more transcripts); c.-430C>A (NM_001413981.1, NM_001413982.1, NM_001413983.1 and 1 more transcripts).
Identifiers: ClinVar variation 4822923 (VCV004822923.4).